The following is an entry in ClinVar:

ClinVar aggregate classification (germline): Uncertain significance (1 of 4 stars; one submission).

gnomAD v4.1: 1 of 1,613,164 alleles (0.000062%); highest among the groups gnomAD compares: Non-Finnish European, 0.000085%; no homozygotes.

Submission:

Labcorp Genetics (formerly Invitae), Labcorp
Classification: Uncertain significance. Last evaluated: 2024-04-10. Review status: criteria provided, single submitter. Criteria: Invitae Variant Classification Sherloc (09022015). Collection method: clinical testing. Allele origin: germline.
Comment: This sequence change replaces leucine, which is neutral and non-polar, with tryptophan, which is neutral and slightly polar, at codon 169 of the NUBPL protein (p.Leu169Trp). This variant is not present in population databases (gnomAD no frequency). This variant has not been reported in the literature in individuals affected with NUBPL-related conditions. Advanced modeling of protein sequence and biophysical properties (such as structural, functional, and spatial information, amino acid conservation, physicochemical variation, residue mobility, and thermodynamic stability) performed at Invitae indicates that this missense variant is not expected to disrupt NUBPL protein function with a negative predictive value of 80%. In summary, the available evidence is currently insufficient to determine the role of this variant in disease. Therefore, it has been classified as a Variant of Uncertain Significance.

NM_025152.3(NUBPL):c.506T>G (p.Leu169Trp)

Gene: NUBPL (NUBP iron-sulfur cluster assembly factor, mitochondrial; plus strand). Cytogenetic location: 14q12.
Variant type: single nucleotide variant.
Coding change: c.506T>G on transcript NM_025152.3 (MANE Select); coding-DNA position 506, T replaced by G.
Protein change: p.Leu169Trp; replaces leucine 169 with tryptophan.
Molecular consequence: missense variant. On other transcripts: non-coding transcript variant (1).
Genome position (GRCh38, 1-based): chr14:31,673,567, T>G. VCF-style: chr14-31673567-T-G. GRCh37 (hg19) VCF-style: chr14-32142773-T-G.
Other names: c.218T>G, p.Leu73Trp (NM_001201573.2); short protein forms L73W, L169W.
Identifiers: ClinVar variation 3685063 (VCV003685063.1).